The following is an entry in ClinVar:

NM_001606.5(ABCA2):c.3883-3C>T

Gene: ABCA2 (ATP binding cassette subfamily A member 2; minus strand). Cytogenetic location: 9q34.3.
Variant type: single nucleotide variant.
Coding change: c.3883-3C>T on transcript NM_001606.5 (MANE Select); 3 bases into the intron before coding-DNA position 3883, C replaced by T.
Molecular consequence: intron variant.
Genome position (GRCh38, 1-based): chr9:137,014,813, G>A on the plus strand (C>T on the coding strand, the complement: ABCA2 is on the minus strand). VCF-style: chr9-137014813-G-A. GRCh37 (hg19) VCF-style: chr9-139909265-G-A.
Other names: c.3973-3C>T (NM_212533.3).
Identifiers: ClinVar variation 1698525 (VCV001698525.3), dbSNP rs542477663, ClinGen allele CA5354582.

ClinVar aggregate classification (germline): Uncertain significance. Review status: criteria provided, multiple submitters, no conflicts (2 of 4 stars). 2 submissions from 2 submitters: Uncertain significance (2). Last evaluated 2022-06-08.

Allele frequency attached by ClinVar (database versions not stated): gnomAD exomes 0.00003 and 0.00009; gnomAD 0.00009; ExAC 0.00014; TOPMed 0.00014; 1000 Genomes Project 30x 0.00016; 1000 Genomes Project 0.00020.
gnomAD v4.1: 56 of 1,598,496 alleles (0.0035%); highest among the groups gnomAD compares: South Asian, 0.037%; no homozygotes.

Submissions (2):

Women's Health and Genetics/Laboratory Corporation of America, LabCorp
Classification: Uncertain significance. Last evaluated: 2022-06-08. Review status: criteria provided, single submitter. Criteria: LabCorp Variant Classification Summary - May 2015. Collection method: clinical testing. Allele origin: germline.
Comment: Variant summary: ABCA2 c.3973-3C>T alters a non-conserved nucleotide located close to a canonical splice site and therefore could affect mRNA splicing, leading to a significantly altered protein sequence. Several computational tools predict a significant impact on normal splicing: One predict the variant weakens a 3' acceptor site. Two predict the variant abolishes a 3' acceptor site. However, these predictions have yet to be confirmed by functional studies. The variant allele was found at a frequency of 8.6e-05 in 219666 control chromosomes. To our knowledge, no occurrence of c.3973-3C>T in individuals affected with Intellectual Developmental Disorder With Poor Growth And With Or Without Seizures Or Ataxia and no experimental evidence demonstrating its impact on protein function have been reported. No clinical diagnostic laboratories have submitted clinical-significance assessments for this variant to ClinVar after 2014. Based on the evidence outlined above, the variant was classified as uncertain significance.

GeneDx
Classification: Uncertain significance. Last evaluated: 2022-03-30. Review status: criteria provided, single submitter. Criteria: GeneDx Variant Classification Process June 2021. Collection method: clinical testing. Allele origin: germline. Affected: yes.
Comment: Has not been previously published as pathogenic or benign to our knowledge; In-silico analysis is inconclusive as to whether the variant alters gene splicing. In the absence of RNA/functional studies, the actual effect of this sequence change is unknown.